The following is an entry in ClinVar:

NM_000051.4(ATM):c.5499G>A (p.Val1833=)

Gene: ATM (ATM serine/threonine kinase; plus strand). Cytogenetic location: 11q22.3.
Variant type: single nucleotide variant.
Coding change: c.5499G>A on transcript NM_000051.4 (MANE Select); coding-DNA position 5499, G replaced by A.
Protein change: p.Val1833=; no amino-acid change (valine 1833 retained).
Molecular consequence: synonymous variant.
Genome position (GRCh38, 1-based): chr11:108,304,677, G>A. VCF-style: chr11-108304677-G-A. GRCh37 (hg19) VCF-style: chr11-108175404-G-A.
Other names: c.5499G>A, p.Val1833= (NM_001351834.2).
Identifiers: ClinVar variation 3254501 (VCV003254501.1), dbSNP rs2546986705.

ClinVar aggregate classification (germline): Benign (1 of 4 stars; one submission).

Conditions:
Familial cancer of breast. Also called: BREAST CANCER, FAMILIAL; Hereditary breast cancer; hereditary breast carcinoma. Identifiers: Orphanet 227535, MedGen C0346153, MONDO:0016419, OMIM 114480. Disease mechanism: loss of function.

Submission:

Myriad Genetics, Inc.
Classification: Benign for Familial cancer of breast. Last evaluated: 2024-05-23. Review status: criteria provided, single submitter. Criteria: Myriad Autosomal Dominant, Autosomal Recessive and X-Linked Classification Criteria (2023). Collection method: clinical testing. Allele origin: unknown.
Comment: This variant is considered benign. This variant is a silent/synonymous amino acid change and it is not expected to impact splicing.